The following is an entry in ClinVar:

ClinVar aggregate classification (germline): Uncertain significance (1 of 4 stars; one submission).

Conditions:
Hereditary cancer-predisposing syndrome. Also called: Hereditary neoplastic syndrome; Neoplastic Syndromes, Hereditary; Tumor predisposition; Hereditary Cancer Syndrome. Identifiers: Orphanet 140162, MedGen C0027672, MeSH D009386, MONDO:0015356.

Submission:

Ambry Genetics
Classification: Uncertain significance for Hereditary cancer-predisposing syndrome. Last evaluated: 2024-12-13. Review status: criteria provided, single submitter. Criteria: Ambry Variant Classification Scheme 2023. Collection method: clinical testing. Allele origin: germline.
Comment: The p.T94S variant (also known as c.281C>G), located in coding exon 3 of the BMPR1A gene, results from a C to G substitution at nucleotide position 281. The threonine at codon 94 is replaced by serine, an amino acid with similar properties. This amino acid position is conserved. In addition, the in silico prediction for this alteration is inconclusive. Based on the available evidence, the clinical significance of this variant remains unclear.

NM_004329.3(BMPR1A):c.281C>G (p.Thr94Ser)

Gene: BMPR1A (bone morphogenetic protein receptor type 1A; plus strand). Cytogenetic location: 10q23.2.
Variant type: single nucleotide variant.
Coding change: c.281C>G on transcript NM_004329.3 (MANE Select); coding-DNA position 281, C replaced by G.
Protein change: p.Thr94Ser; replaces threonine 94 with serine.
Molecular consequence: missense variant. On other transcripts: non-coding transcript variant (3).
Genome position (GRCh38, 1-based): chr10:86,892,177, C>G. VCF-style: chr10-86892177-C-G. GRCh37 (hg19) VCF-style: chr10-88651934-C-G.
Other names: c.281C>G, p.Thr94Ser (NM_001406559.1, NM_001406560.1, NM_001406561.1 and 23 more transcripts); c.197C>G, p.Thr66Ser (NM_001406584.1, NM_001406585.1, NM_001406586.1 and 2 more transcripts); short protein forms T66S, T94S.
Identifiers: ClinVar variation 3824710 (VCV003824710.1).